The following is an entry in ClinVar:

NM_000135.4(FANCA):c.1150G>A (p.Val384Ile)

Gene: FANCA (FA complementation group A; minus strand). Cytogenetic location: 16q24.3.
Variant type: single nucleotide variant.
Coding change: c.1150G>A on transcript NM_000135.4 (MANE Select); coding-DNA position 1150, G replaced by A.
Protein change: p.Val384Ile; replaces valine 384 with isoleucine.
Molecular consequence: missense variant.
Genome position (GRCh38, 1-based): chr16:89,792,002, C>T on the plus strand (G>A on the coding strand, the complement: FANCA is on the minus strand). VCF-style: chr16-89792002-C-T. GRCh37 (hg19) VCF-style: chr16-89858410-C-T.
Other names: c.1150G>A (NM_000135.2); c.1150G>A, p.Val384Ile (NM_001286167.3); short protein forms V384I.
Identifiers: ClinVar variation 1513765 (VCV001513765.14), dbSNP rs751071791, ClinGen allele CA286593286.

ClinVar aggregate classification (germline): Uncertain significance. Review status: criteria provided, multiple submitters, no conflicts (2 of 4 stars). 4 submissions from 4 submitters: Uncertain significance (3). 1 of the submissions does not count toward it. Last evaluated 2025-06-01.

Conditions:
FANCA-related disorder. Also called: FANCA-related condition.
Fanconi anemia complementation group A (FANCA). Also called: Fanconi anemia, group A; FANCA-Related Fanconi Anemia. Identifiers: Orphanet 84, MedGen C3469521, MONDO:0009215, OMIM 227650.
Fanconi anemia (FA). Also called: Fanconi's anemia. Identifiers: Orphanet 84, MedGen C0015625, MeSH D005199, MONDO:0019391.

gnomAD v4.1: 22 of 1,614,058 alleles (0.0014%); highest among the groups gnomAD compares: Non-Finnish European, 0.0015%; no homozygotes.

Submissions (4):

CeGaT Center for Human Genetics Tuebingen
Classification: Uncertain significance. Last evaluated: 2025-06-01. Review status: criteria provided, single submitter. Criteria: CeGaT Center For Human Genetics Tuebingen Variant Classification Criteria Version 2. Collection method: clinical testing. Allele origin: germline. Affected: yes. Observed: 1 variant allele.
Comment: FANCA: PM2, BP4

Labcorp Genetics (formerly Invitae), Labcorp
Classification: Uncertain significance for Fanconi anemia. Last evaluated: 2024-07-26. Review status: criteria provided, single submitter. Criteria: Invitae Variant Classification Sherloc (09022015). Collection method: clinical testing. Allele origin: germline.
Comment: This sequence change replaces valine, which is neutral and non-polar, with isoleucine, which is neutral and non-polar, at codon 384 of the FANCA protein (p.Val384Ile). This variant is not present in population databases (gnomAD no frequency). This variant has not been reported in the literature in individuals affected with FANCA-related conditions. ClinVar contains an entry for this variant (Variation ID: 1513765). Advanced modeling of protein sequence and biophysical properties (such as structural, functional, and spatial information, amino acid conservation, physicochemical variation, residue mobility, and thermodynamic stability) performed at Invitae indicates that this missense variant is expected to disrupt FANCA protein function with a positive predictive value of 80%. In summary, the available evidence is currently insufficient to determine the role of this variant in disease. Therefore, it has been classified as a Variant of Uncertain Significance.

Fulgent Genetics
Classification: Uncertain significance for Fanconi anemia complementation group A. Last evaluated: 2022-02-02. Review status: criteria provided, single submitter. Criteria: ACMG Guidelines, 2015. Collection method: clinical testing. Allele origin: unknown.

PreventionGenetics, part of Exact Sciences
Classification: Uncertain significance for FANCA-related condition. Last evaluated: 2024-05-23. Review status: no assertion criteria provided. Collection method: clinical testing. Allele origin: germline. Not counted in ClinVar's aggregate classification.
Comment: The FANCA c.1150G>A variant is predicted to result in the amino acid substitution p.Val384Ile. To our knowledge, this variant has not been reported in the literature or in a large population database, indicating this variant is rare. This variant is classified as a variant of uncertain significance (VUS) in ClinVar. At this time, the clinical significance of this variant is uncertain due to the absence of conclusive functional and genetic evidence.